The following is an entry in ClinVar:

ClinVar aggregate classification (germline): Uncertain significance (1 of 4 stars; one submission).

Conditions:
Hyperphosphatasia with intellectual disability syndrome 5 (GPIBD11). Also called: GLYCOSYLPHOSPHATIDYLINOSITOL BIOSYNTHESIS DEFECT 11. Identifiers: Orphanet 247262, MedGen C4014958, MONDO:0014457, OMIM 616025.

gnomAD v4.1: 1 of 1,614,012 alleles (0.000062%); no homozygotes.

Submission:

Labcorp Genetics (formerly Invitae), Labcorp
Classification: Uncertain significance for Hyperphosphatasia with intellectual disability syndrome 5. Last evaluated: 2025-02-17. Review status: criteria provided, single submitter. Criteria: Invitae Variant Classification Sherloc (09022015). Collection method: clinical testing. Allele origin: germline.
Comment: This sequence change replaces glycine, which is neutral and non-polar, with cysteine, which is neutral and slightly polar, at codon 291 of the PIGW protein (p.Gly291Cys). This variant is not present in population databases (gnomAD no frequency). This variant has not been reported in the literature in individuals affected with PIGW-related conditions. ClinVar contains an entry for this variant (Variation ID: 1522579). An algorithm developed to predict the effect of missense changes on protein structure and function (PolyPhen-2) suggests that this variant is likely to be disruptive. In summary, the available evidence is currently insufficient to determine the role of this variant in disease. Therefore, it has been classified as a Variant of Uncertain Significance.

NM_001346754.2(PIGW):c.871G>T (p.Gly291Cys)

Genes: MYO19 (myosin XIX; minus strand), PIGW (phosphatidylinositol glycan anchor biosynthesis class W; plus strand). Cytogenetic location: 17q12.
Variant type: single nucleotide variant.
Coding change: c.871G>T on transcript NM_001346754.2 (MANE Select); coding-DNA position 871, G replaced by T.
Protein change: p.Gly291Cys; replaces glycine 291 with cysteine.
Molecular consequence: missense variant.
Genome position (GRCh38, 1-based): chr17:36,537,972, G>T. VCF-style: chr17-36537972-G-T. GRCh37 (hg19) VCF-style: chr17-34893821-G-T.
Other names: c.871G>T, p.Gly291Cys (NM_001346755.2, NM_178517.5); short protein forms G291C.
Identifiers: ClinVar variation 1522579 (VCV001522579.8), dbSNP rs2142618795, ClinGen allele CA399163770.